The following is an entry in ClinVar:

NM_003098.3(SNTA1):c.815C>T (p.Thr272Met)

Gene: SNTA1 (syntrophin alpha 1; minus strand). Cytogenetic location: 20q11.21.
Variant type: single nucleotide variant.
Coding change: c.815C>T on transcript NM_003098.3 (MANE Select); coding-DNA position 815, C replaced by T.
Protein change: p.Thr272Met; replaces threonine 272 with methionine.
Molecular consequence: missense variant.
Genome position (GRCh38, 1-based): chr20:33,412,669, G>A on the plus strand (C>T on the coding strand, the complement: SNTA1 is on the minus strand). VCF-style: chr20-33412669-G-A. GRCh37 (hg19) VCF-style: chr20-32000475-G-A.
Other names: short protein forms T272M.
Identifiers: ClinVar variation 391987 (VCV000391987.14), dbSNP rs144465646, ClinGen allele CA9817137.
Genomic context (GRCh38, chr20:33,412,669, plus strand): 5'-TGGCTCCCAGCTGTGCTGGTGGCTGCCAACAGTGCCTGCAGCTCATCCTTGACCCGCGGC[G>A]TCAGAGTATTGACCTGGGCTTGGATGGCAGTCGCCCACGACCTCGCACTAGCCTCATCCT-3'
Protein context (NP_003089.1, residues 262-282): TAIQAQVNTL[Thr272Met]PRVKDELQAL

ClinVar aggregate classification (germline): Likely benign. Review status: criteria provided, multiple submitters, no conflicts (2 of 4 stars). 3 submissions from 3 submitters: Likely benign (3). Last evaluated 2025-10-27.

Conditions:
Long QT syndrome (LQTS). Identifiers: MedGen C0023976, MeSH D008133, MONDO:0002442. Disease mechanism: loss of function. Inheritance: Various modes of inheritance.
Cardiovascular phenotype. Identifiers: MedGen CN230736.

Allele frequency attached by ClinVar (database versions not stated): gnomAD exomes 0.00006 and 0.00025; gnomAD 0.00011 and 0.00012; TOPMed 0.00015; ExAC 0.00028; 1000 Genomes Project 30x 0.00031; 1000 Genomes Project 0.00040.
gnomAD v4.1: 109 of 1,613,892 alleles (0.0068%); highest among the groups gnomAD compares: East Asian, 0.16%; 1 homozygote.

Submissions (3):

Labcorp Genetics (formerly Invitae), Labcorp
Classification: Likely benign for Long QT syndrome. Last evaluated: 2025-10-27. Review status: criteria provided, single submitter. Criteria: Invitae Variant Classification Sherloc (09022015). Collection method: clinical testing. Allele origin: germline.

Ambry Genetics
Classification: Likely benign for Cardiovascular phenotype. Last evaluated: 2017-03-07. Review status: criteria provided, single submitter. Criteria: Ambry Variant Classification Scheme 2023. Collection method: clinical testing. Allele origin: germline.

GeneDx
Classification: Likely benign. Last evaluated: 2016-12-19. Review status: criteria provided, single submitter. Criteria: GeneDx Variant Classification (06012015). Collection method: clinical testing. Allele origin: germline. Affected: yes.
Comment: This variant is considered likely benign or benign based on one or more of the following criteria: it is a conservative change, it occurs at a poorly conserved position in the protein, it is predicted to be benign by multiple in silico algorithms, and/or has population frequency not consistent with disease.